The following is an entry in ClinVar:

ClinVar aggregate classification (germline): Uncertain significance (1 of 4 stars; one submission).

Submission:

GeneDx
Classification: Uncertain significance. Last evaluated: 2024-09-17. Review status: criteria provided, single submitter. Criteria: GeneDx Variant Classification Process June 2021. Collection method: clinical testing. Allele origin: germline. Affected: yes.
Comment: Not observed at significant frequency in large population cohorts (gnomAD); In silico analysis indicates that this missense variant does not alter protein structure/function; Has not been previously published as pathogenic or benign to our knowledge

NM_014712.3(SETD1A):c.1105T>C (p.Tyr369His)

Gene: SETD1A (SET domain containing 1A, histone lysine methyltransferase; plus strand). Cytogenetic location: 16p11.2.
Variant type: single nucleotide variant.
Coding change: c.1105T>C on transcript NM_014712.3 (MANE Select); coding-DNA position 1105, T replaced by C.
Protein change: p.Tyr369His; replaces tyrosine 369 with histidine.
Molecular consequence: missense variant.
Genome position (GRCh38, 1-based): chr16:30,964,847, T>C. VCF-style: chr16-30964847-T-C. GRCh37 (hg19) VCF-style: chr16-30976168-T-C.
Other names: short protein forms Y369H.
Identifiers: ClinVar variation 3769779 (VCV003769779.1).
Genomic context (GRCh38, chr16:30,964,847, plus strand): 5'-TCGTCATCCTCTTCCTCCTCGTCCTCTCAGTTTCGTAGTTCTGATGCAAACTACCCAGCG[T>C]ATTATGAAAGCTGGAATCGCTACCAGCGCCATACTTCCTACCCACCACGCCGGGCCACAC-3'
Protein context (NP_055527.1, residues 359-379): FRSSDANYPA[Tyr369His]YESWNRYQRH